The following is an entry in ClinVar:

ClinVar aggregate classification (germline): Pathogenic (1 of 4 stars; one submission).

Conditions:
Alport syndrome. Also called: Hemorrhagic familial nephritis; Hemorrhagic hereditary nephritis; Congenital hereditary hematuria. Identifiers: Orphanet 63, MedGen C1567741, MONDO:0018965.

Submission:

Myriad Genetics, Inc.
Classification: Pathogenic for Alport syndrome. Last evaluated: 2025-03-19. Review status: criteria provided, single submitter. Criteria: Myriad Autosomal Dominant, Autosomal Recessive and X-Linked Classification Criteria (2023). Collection method: clinical testing. Allele origin: unknown.
Comment: NM_000091.4(COL4A3):c.2985delC(R996Efs*158) is expected to be pathogenic in the context of Alport syndrome, COL4A3-related. This variant is predicted to lead to an abnormal or absent protein product due to the creation of a premature termination codon in COL4A3, a gene where loss-of-function variants are known to be pathogenic. Please note: this variant was assessed in the context of healthy population screening.

NM_000091.5(COL4A3):c.2985del (p.Arg996fs)

Genes: COL4A3 (collagen type IV alpha 3 chain; plus strand), MFF-DT (MFF divergent transcript; minus strand). Cytogenetic location: 2q36.3.
Variant type: Deletion.
Coding change: c.2985del on transcript NM_000091.5 (MANE Select); coding-DNA position 2985, one base deleted (C; older notation c.2985delC).
Protein change: p.Arg996fs; shifts the reading frame from arginine 996.
Molecular consequence: frameshift variant.
Genome position (GRCh38, 1-based): chr2:227,290,003, C deleted; the last of 4 consecutive C bases (chr2:227,290,000-227,290,003); deleting any one gives the same sequence. VCF-style (leftmost placement, unchanged base first): chr2-227289999-GC-G. GRCh37 (hg19) VCF-style: chr2-228154715-GC-G.
Other names: short protein forms R996fs.
Identifiers: ClinVar variation 5014231 (VCV005014231.1).